The following is an entry in ClinVar:

NM_022168.4(IFIH1):c.1429C>T (p.Pro477Ser)

Gene: IFIH1 (interferon induced with helicase C domain 1; minus strand). Cytogenetic location: 2q24.2.
Variant type: single nucleotide variant.
Coding change: c.1429C>T on transcript NM_022168.4 (MANE Select); coding-DNA position 1429, C replaced by T.
Protein change: p.Pro477Ser; replaces proline 477 with serine.
Molecular consequence: missense variant.
Genome position (GRCh38, 1-based): chr2:162,281,423, G>A on the plus strand (C>T on the coding strand, the complement: IFIH1 is on the minus strand). VCF-style: chr2-162281423-G-A. GRCh37 (hg19) VCF-style: chr2-163137933-G-A.
Other names: c.1429C>T (NM_022168.3); short protein forms P477S.
Identifiers: ClinVar variation 1386715 (VCV001386715.7), dbSNP rs1416059394, ClinGen allele CA349002253.

ClinVar aggregate classification (germline): Uncertain significance. Review status: criteria provided, multiple submitters, no conflicts (2 of 4 stars). 2 submissions from 2 submitters: Uncertain significance (2). Last evaluated 2023-08-03.

Conditions:
Singleton-Merten syndrome 1 (SGMRT1). Also called: Widened medullary cavities of bone, aortic calcification, abnormal dentition, and muscular weakness; Syndrome of widened medullary cavities of the metacarpals and phalanges, aortic calcification and abnormal dentition. Identifiers: Orphanet 85191, MedGen C4225427, MONDO:0024535, OMIM 182250.
Aicardi-Goutieres syndrome 7 (AGS7). Identifiers: Orphanet 51, MedGen C3888244, MONDO:0014367, OMIM 615846.

Allele frequency attached by ClinVar (database versions not stated): gnomAD exomes below 0.00001; gnomAD 0.00001.
gnomAD v4.1: 2 of 1,612,572 alleles (0.00012%); highest among the groups gnomAD compares: African/African-American, 0.0013%; no homozygotes.

Submissions (2):

GeneDx
Classification: Uncertain significance. Last evaluated: 2023-08-03. Review status: criteria provided, single submitter. Criteria: GeneDx Variant Classification Process June 2021. Collection method: clinical testing. Allele origin: germline. Affected: yes.
Comment: Not observed at significant frequency in large population cohorts (gnomAD); In silico analysis supports that this missense variant does not alter protein structure/function; Has not been previously published as pathogenic or benign to our knowledge

Labcorp Genetics (formerly Invitae), Labcorp
Classification: Uncertain significance for Aicardi-Goutieres syndrome 7; Singleton-Merten syndrome 1. Last evaluated: 2021-10-13. Review status: criteria provided, single submitter. Criteria: Invitae Variant Classification Sherloc (09022015). Collection method: clinical testing. Allele origin: germline.
Comment: In summary, the available evidence is currently insufficient to determine the role of this variant in disease. Therefore, it has been classified as a Variant of Uncertain Significance. Algorithms developed to predict the effect of missense changes on protein structure and function output the following: SIFT: "Tolerated"; PolyPhen-2: "Benign"; Align-GVGD: "Class C0". The serine amino acid residue is found in multiple mammalian species, which suggests that this missense change does not adversely affect protein function. This variant has not been reported in the literature in individuals affected with IFIH1-related conditions. This variant is not present in population databases (ExAC no frequency). This sequence change replaces proline with serine at codon 477 of the IFIH1 protein (p.Pro477Ser). The proline residue is moderately conserved and there is a moderate physicochemical difference between proline and serine.